The following is an entry in ClinVar:

ClinVar aggregate classification (germline): Pathogenic (1 of 4 stars; one submission).

Conditions:
Gorlin syndrome. Also called: Nevoid Basal Cell Carcinoma Syndrome; Basal cell nevus syndrome. Identifiers: Orphanet 377, MedGen C0004779, MONDO:0007187.

Submission:

Labcorp Genetics (formerly Invitae), Labcorp
Classification: Pathogenic for Gorlin syndrome. Last evaluated: 2020-06-18. Review status: criteria provided, single submitter. Criteria: Invitae Variant Classification Sherloc (09022015). Collection method: clinical testing. Allele origin: germline.
Comment: This sequence change affects an acceptor splice site in intron 20 of the PTCH1 gene. It is expected to disrupt RNA splicing and likely results in an absent or disrupted protein product. For these reasons, this variant has been classified as Pathogenic. Donor and acceptor splice site variants typically lead to a loss of protein function (PMID: 16199547), and loss-of-function variants in PTCH1 are known to be pathogenic (PMID: 16301862, 16419085). Algorithms developed to predict the effect of sequence changes on RNA splicing suggest that this variant may disrupt the consensus splice site, but this prediction has not been confirmed by published transcriptional studies. Disruption of this splice site has been observed in individual(s) with clinical features of Gorlin syndrome (Invitae). ClinVar contains an entry for this variant (Variation ID: 844944). This variant is not present in population databases (ExAC no frequency).

Literature cited by the submitters: PubMed 16199547; PubMed 16301862; PubMed 16419085.

NM_000264.5(PTCH1):c.3450-1G>C

Gene: PTCH1 (patched 1; minus strand). Cytogenetic location: 9q22.32.
Variant type: single nucleotide variant.
Coding change: c.3450-1G>C on transcript NM_000264.5 (MANE Select); the canonical splice acceptor site of the intron before coding-DNA position 3450, G replaced by C.
Molecular consequence: splice acceptor variant.
Genome position (GRCh38, 1-based): chr9:95,449,941, C>G on the plus strand (G>C on the coding strand, the complement: PTCH1 is on the minus strand). VCF-style: chr9-95449941-C-G. GRCh37 (hg19) VCF-style: chr9-98212223-C-G.
Other names: c.3447-1G>C (NM_001083603.3); c.3252-1G>C (NM_001083602.3); c.3294-1G>C (NM_001354918.2); c.2997-1G>C (NM_001083605.3, NM_001083604.3, NM_001083606.3 and 1 more transcripts).
Identifiers: ClinVar variation 844944 (VCV000844944.10), dbSNP rs1403732379, ClinGen allele CA374111637.
Genomic context (GRCh38, chr9:95,449,941, plus strand): 5'-AAAACCAGCCCATTGAGAACGCCGAGGATGGTGAGGATCGCCAGCACAGCAAAGAAATAC[C>G]TGGGAGATCAAGAGGAAACGGGAACACGCGCTGTGACAGGGTGGATCGCGCCACCCTCCG-3'